The following is an entry in ClinVar:

ClinVar aggregate classification (germline): Likely benign (1 of 4 stars; one submission).

Allele frequency attached by ClinVar (database versions not stated): 1000 Genomes Project 30x 0.00016; 1000 Genomes Project 0.00020; gnomAD exomes 0.00098; gnomAD 0.00099; ExAC 0.00215.
gnomAD v4.1: 419 of 406,342 alleles (0.1%); highest among the groups gnomAD compares: Middle Eastern, 0.83%; 2 homozygotes.

Submission:

CeGaT Center for Human Genetics Tuebingen
Classification: Likely benign. Last evaluated: 2022-03-01. Review status: criteria provided, single submitter. Criteria: CeGaT Center For Human Genetics Tuebingen Variant Classification Criteria Version 2. Collection method: clinical testing. Allele origin: germline. Affected: yes. Observed: 1 variant allele.
Comment: CCNYL1: BP4, BP7

NM_001330218.2(CCNYL1):c.220+2302T>A

Gene: CCNYL1 (cyclin Y like 1; plus strand). Cytogenetic location: 2q33.3.
Variant type: single nucleotide variant.
Coding change: c.220+2302T>A on transcript NM_001330218.2 (MANE Select); 2302 bases into the intron after coding-DNA position 220, T replaced by A.
Molecular consequence: intron variant.
Genome position (GRCh38, 1-based): chr2:207,714,418, T>A. VCF-style: chr2-207714418-T-A. GRCh37 (hg19) VCF-style: chr2-208579142-T-A.
Other names: c.220+2302T>A (NM_001142300.2); c.10+2302T>A (NM_152523.3).
Identifiers: ClinVar variation 2651847 (VCV002651847.24), dbSNP rs112476068, ClinGen allele CA2076572.